The following is an entry in ClinVar:

ClinVar aggregate classification (germline): Likely pathogenic. Review status: criteria provided, multiple submitters, no conflicts (2 of 4 stars). 4 submissions from 4 submitters: Likely pathogenic (4). Last evaluated 2024-12-30.

Conditions:
ATP7B-related disorder. Also called: ATP7B-related condition.
Wilson disease (WND). Also called: Wilson's disease. Identifiers: Orphanet 905, MedGen C0019202, MONDO:0010200, OMIM 277900. Disease mechanism: loss of function.

gnomAD v4.1: 2 of 1,614,122 alleles (0.00012%); highest among the groups gnomAD compares: Non-Finnish European, 0.00017%; no homozygotes.

Submissions (4):

Mayo Clinic Laboratories, Mayo Clinic
Classification: Likely pathogenic. Last evaluated: 2024-12-30. Review status: criteria provided, single submitter. Criteria: ACMG Guidelines, 2015. Collection method: clinical testing. Allele origin: germline. Observed: 1 variant allele.
Comment: PP3_strong, PP4, PM2_supporting, PM5

Labcorp Genetics (formerly Invitae), Labcorp
Classification: Likely pathogenic for Wilson disease. Last evaluated: 2024-08-28. Review status: criteria provided, single submitter. Criteria: Invitae Variant Classification Sherloc (09022015). Collection method: clinical testing. Allele origin: germline.
Comment: This sequence change replaces asparagine, which is neutral and polar, with isoleucine, which is neutral and non-polar, at codon 1270 of the ATP7B protein (p.Asn1270Ile). This variant is present in population databases (rs121907990, gnomAD 0.0009%). This missense change has been observed in individual(s) with clinical features of Wilson disease (PMID: 26819605). ClinVar contains an entry for this variant (Variation ID: 1685251). Invitae Evidence Modeling of protein sequence and biophysical properties (such as structural, functional, and spatial information, amino acid conservation, physicochemical variation, residue mobility, and thermodynamic stability) indicates that this missense variant is expected to disrupt ATP7B protein function with a positive predictive value of 80%. This variant disrupts the p.Asn1270 amino acid residue in ATP7B. Other variant(s) that disrupt this residue have been determined to be pathogenic (PMID: 9654149, 20485189, 22240481, 26269689, 27398169). This suggests that this residue is clinically significant, and that variants that disrupt this residue are likely to be disease-causing. In summary, the currently available evidence indicates that the variant is pathogenic, but additional data are needed to prove that conclusively. Therefore, this variant has been classified as Likely Pathogenic.

Blueprint Genetics
Classification: Likely pathogenic for ATP7B-related disorders. Last evaluated: 2023-03-03. Review status: criteria provided, single submitter. Criteria: ACMG Guidelines, 2015. Collection method: clinical testing. Allele origin: germline. Affected: yes. Observed: 2 variant alleles.

Mendelics
Classification: Likely pathogenic for Wilson disease. Last evaluated: 2022-05-04. Review status: criteria provided, single submitter. Criteria: Mendelics Assertion Criteria 2019. Collection method: clinical testing. Allele origin: germline.

Literature cited by the submitters: PubMed 26819605 (cited by Mayo Clinic Laboratories, Mayo Clinic and Labcorp Genetics (formerly Invitae), Labcorp); PubMed 33260258 (cited by Mayo Clinic Laboratories, Mayo Clinic); PubMed 9654149 (cited by Labcorp Genetics (formerly Invitae), Labcorp); PubMed 20485189 (cited by Labcorp Genetics (formerly Invitae), Labcorp); PubMed 22240481 (cited by Labcorp Genetics (formerly Invitae), Labcorp); PubMed 26269689 (cited by Labcorp Genetics (formerly Invitae), Labcorp); PubMed 27398169 (cited by Labcorp Genetics (formerly Invitae), Labcorp).

NM_000053.4(ATP7B):c.3809A>T (p.Asn1270Ile)

Gene: ATP7B (ATPase copper transporting beta; minus strand). Cytogenetic location: 13q14.3.
Variant type: single nucleotide variant.
Coding change: c.3809A>T on transcript NM_000053.4 (MANE Select); coding-DNA position 3809, A replaced by T.
Protein change: p.Asn1270Ile; replaces asparagine 1270 with isoleucine.
Molecular consequence: missense variant.
Genome position (GRCh38, 1-based): chr13:51,937,570, T>A on the plus strand (A>T on the coding strand, the complement: ATP7B is on the minus strand). VCF-style: chr13-51937570-T-A. GRCh37 (hg19) VCF-style: chr13-52511706-T-A.
Other names: p.Asn1270Ile; c.3188A>T, p.Asn1063Ile (NM_001005918.3); c.3476A>T, p.Asn1159Ile (NM_001243182.2); c.3575A>T, p.Asn1192Ile (NM_001330578.2); c.3557A>T, p.Asn1186Ile (NM_001330579.2); short protein forms N1063I, N1159I, N1186I, N1192I, N1270I.
Identifiers: ClinVar variation 1685251 (VCV001685251.8), dbSNP rs121907990, ClinGen allele CA6988565.